The following is an entry in ClinVar:

ClinVar aggregate classification (germline): Uncertain significance. Review status: criteria provided, multiple submitters, no conflicts (2 of 4 stars). 2 submissions from 2 submitters: Uncertain significance (2). Last evaluated 2022-05-30.

Conditions:
Inborn genetic diseases. Identifiers: MedGen C0950123, MeSH D030342.

Allele frequency attached by ClinVar (database versions not stated): gnomAD exomes 0.00002; ExAC 0.00004; TOPMed 0.00010; gnomAD 0.00011; ESP Exome Variant Server 0.00015; 1000 Genomes Project 30x 0.00016; 1000 Genomes Project 0.00020.
gnomAD v4.1: 47 of 1,467,294 alleles (0.0032%); highest among the groups gnomAD compares: African/African-American, 0.04%; no homozygotes.

Submissions (2):

Labcorp Genetics (formerly Invitae), Labcorp
Classification: Uncertain significance. Last evaluated: 2022-05-30. Review status: criteria provided, single submitter. Criteria: Invitae Variant Classification Sherloc (09022015). Collection method: clinical testing. Allele origin: germline.
Comment: Algorithms developed to predict the effect of missense changes on protein structure and function (SIFT, PolyPhen-2, Align-GVGD) all suggest that this variant is likely to be tolerated. This variant has not been reported in the literature in individuals affected with HPGD-related conditions. This variant is present in population databases (rs142173308, gnomAD 0.03%). This sequence change replaces threonine, which is neutral and polar, with alanine, which is neutral and non-polar, at codon 74 of the HPGD protein (p.Thr74Ala). In summary, the available evidence is currently insufficient to determine the role of this variant in disease. Therefore, it has been classified as a Variant of Uncertain Significance.

Ambry Genetics
Classification: Uncertain significance for Inborn genetic diseases. Last evaluated: 2021-06-22. Review status: criteria provided, single submitter. Criteria: Ambry Variant Classification Scheme 2023. Collection method: clinical testing. Allele origin: germline.

NM_000860.6(HPGD):c.220A>G (p.Thr74Ala)

Gene: HPGD (15-hydroxyprostaglandin dehydrogenase; minus strand). Cytogenetic location: 4q34.1.
Variant type: single nucleotide variant.
Coding change: c.220A>G on transcript NM_000860.6 (MANE Select); coding-DNA position 220, A replaced by G.
Protein change: p.Thr74Ala; replaces threonine 74 with alanine.
Molecular consequence: missense variant. On other transcripts: 5 prime UTR variant (1), intron variant (2).
Genome position (GRCh38, 1-based): chr4:174,518,075, T>C on the plus strand (A>G on the coding strand, the complement: HPGD is on the minus strand). VCF-style: chr4-174518075-T-C. GRCh37 (hg19) VCF-style: chr4-175439226-T-C.
Other names: c.220A>G, p.Thr74Ala (NM_001145816.3, NM_001256305.2, NM_001363574.2); c.-144A>G (NM_001256301.1); c.217+3869A>G (NM_001256306.2); c.-40+3869A>G (NM_001256307.2); short protein forms T74A.
Identifiers: ClinVar variation 2081072 (VCV002081072.3), dbSNP rs142173308, ClinGen allele CA3142349.